The following is an entry in ClinVar:

ClinVar aggregate classification (germline): Conflicting classifications of pathogenicity. Review status: criteria provided, conflicting classifications (1 of 4 stars). 3 submissions from 3 submitters: Uncertain significance (2); Likely benign (1). Last evaluated 2026-02-01.

Conditions:
Emery-Dreifuss muscular dystrophy 5, autosomal dominant (EDMD5). Also called: EMERY-DREIFUSS MUSCULAR DYSTROPHY 5. Identifiers: Orphanet 261, MedGen C2751805, MONDO:0013072, OMIM 612999.

Allele frequency attached by ClinVar (database versions not stated): gnomAD 0.00001; gnomAD exomes 0.00002 and 0.00003; TOPMed 0.00002; ExAC 0.00003; 1000 Genomes Project 30x 0.00016; 1000 Genomes Project 0.00020.
gnomAD v4.1: 23 of 1,614,140 alleles (0.0014%); highest among the groups gnomAD compares: Admixed American, 0.0033%; no homozygotes.

Submissions (3):

Labcorp Genetics (formerly Invitae), Labcorp
Classification: Uncertain significance for Emery-Dreifuss muscular dystrophy 5, autosomal dominant. Last evaluated: 2026-02-01. Review status: criteria provided, single submitter. Criteria: Invitae Variant Classification Sherloc (09022015). Collection method: clinical testing. Allele origin: germline.
Comment: This sequence change replaces glutamic acid, which is acidic and polar, with lysine, which is basic and polar, at codon 6402 of the SYNE2 protein (p.Glu6402Lys). This variant is present in population databases (rs200971467, gnomAD 0.007%). This variant has not been reported in the literature in individuals affected with SYNE2-related conditions. ClinVar contains an entry for this variant (Variation ID: 313650). An algorithm developed to predict the effect of missense changes on protein structure and function (PolyPhen-2) suggests that this variant is likely to be disruptive. In summary, the available evidence is currently insufficient to determine the role of this variant in disease. Therefore, it has been classified as a Variant of Uncertain Significance.

Ambry Genetics
Classification: Uncertain significance. Last evaluated: 2024-04-19. Review status: criteria provided, single submitter. Criteria: Ambry Variant Classification Scheme 2023. Collection method: clinical testing. Allele origin: germline.

Illumina Laboratory Services, Illumina
Classification: Likely benign for Emery-Dreifuss muscular dystrophy 5, autosomal dominant. Last evaluated: 2018-01-12. Review status: criteria provided, single submitter. Criteria: ICSL Variant Classification Criteria 13 December 2019. Collection method: clinical testing. Allele origin: germline.
Comment: This variant was observed in the ICSL laboratory as part of a predisposition screen in an ostensibly healthy population. It had not been previously curated by ICSL or reported in the Human Gene Mutation Database (HGMD: prior to June 1st, 2018), and was therefore a candidate for classification through an automated scoring system. Utilizing variant allele frequency, disease prevalence and penetrance estimates, and inheritance mode, an automated score was calculated to assess if this variant is too frequent to cause the disease. Based on the score and internal cut-off values, a variant classified as likely benign is not then subjected to further curation. The score for this variant resulted in a classification of likely benign for this disease.

NM_182914.3(SYNE2):c.19204G>A (p.Glu6402Lys)

Gene: SYNE2 (spectrin repeat containing nuclear envelope protein 2; plus strand). Cytogenetic location: 14q23.2.
Variant type: single nucleotide variant.
Coding change: c.19204G>A on transcript NM_182914.3 (MANE Select); coding-DNA position 19204, G replaced by A.
Protein change: p.Glu6402Lys; replaces glutamic acid 6402 with lysine.
Molecular consequence: missense variant.
Genome position (GRCh38, 1-based): chr14:64,214,341, G>A. VCF-style: chr14-64214341-G-A. GRCh37 (hg19) VCF-style: chr14-64681059-G-A.
Other names: c.19204G>A, p.Glu6402Lys (NM_015180.6); c.106G>A, p.Glu36Lys (NM_182913.4); short protein forms E6402K, E36K.
Identifiers: ClinVar variation 313650 (VCV000313650.7), dbSNP rs200971467, ClinGen allele CA7224344.